The following is an entry in ClinVar:

ClinVar aggregate classification (germline): Uncertain significance. Review status: criteria provided, multiple submitters, no conflicts (2 of 4 stars). 3 submissions from 3 submitters: Uncertain significance (3). Last evaluated 2022-02-19.

Conditions:
Developmental and epileptic encephalopathy, 30 (DEE30). Also called: Epileptic encephalopathy, early infantile, 30. Identifiers: MedGen C4225360, MONDO:0014595, OMIM 616341.

Submissions (3):

Labcorp Genetics (formerly Invitae), Labcorp
Classification: Uncertain significance for Developmental and epileptic encephalopathy, 30. Last evaluated: 2022-02-19. Review status: criteria provided, single submitter. Criteria: Invitae Variant Classification Sherloc (09022015). Collection method: clinical testing. Allele origin: germline.
Comment: This sequence change replaces valine, which is neutral and non-polar, with glycine, which is neutral and non-polar, at codon 477 of the SIK1 protein (p.Val477Gly). In summary, the available evidence is currently insufficient to determine the role of this variant in disease. Therefore, it has been classified as a Variant of Uncertain Significance. Algorithms developed to predict the effect of missense changes on protein structure and function are either unavailable or do not agree on the potential impact of this missense change (SIFT: "Deleterious"; PolyPhen-2: "Probably Damaging"; Align-GVGD: "Class C0"). ClinVar contains an entry for this variant (Variation ID: 930495). This variant has not been reported in the literature in individuals affected with SIK1-related conditions. This variant is not present in population databases (gnomAD no frequency).

Centre for Mendelian Genomics, University Medical Centre Ljubljana
Classification: Uncertain significance for Developmental and epileptic encephalopathy, 30. Last evaluated: 2019-03-17. Review status: criteria provided, single submitter. Criteria: ACMG Guidelines, 2015. Collection method: clinical testing. Allele origin: unknown. Affected: yes.
Comment: This variant was classified as: Uncertain significance. The available evidence on this variant's pathogenicity is insufficient or conflicting. The following ACMG criteria were applied in classifying this variant: PM2,PP3.

CeGaT Center for Human Genetics Tuebingen
Classification: Uncertain significance. Last evaluated: 2019-02-01. Review status: criteria provided, single submitter. Criteria: CeGaT Center For Human Genetics Tuebingen Variant Classification Criteria Version 2. Collection method: clinical testing. Allele origin: germline. Affected: yes. Observed: 1 variant allele.

NM_173354.5(SIK1):c.1430T>G (p.Val477Gly)

Gene: SIK1 (salt inducible kinase 1; minus strand). Cytogenetic location: 21q22.3.
Variant type: single nucleotide variant.
Coding change: c.1430T>G on transcript NM_173354.5 (MANE Select); coding-DNA position 1430, T replaced by G.
Protein change: p.Val477Gly; replaces valine 477 with glycine.
Molecular consequence: missense variant.
Genome position (GRCh38, 1-based): chr21:43,419,053, A>C on the plus strand (T>G on the coding strand, the complement: SIK1 is on the minus strand). VCF-style: chr21-43419053-A-C. GRCh37 (hg19) VCF-style: chr21-44838933-A-C.
Other names: short protein forms V477G.
Identifiers: ClinVar variation 930495 (VCV000930495.41), dbSNP rs2081044918, ClinGen allele CA410608019.